The following is an entry in ClinVar:

NM_138927.4(SON):c.7232A>G (p.Asn2411Ser)

Gene: SON (SON DNA and RNA binding protein; plus strand). Cytogenetic location: 21q22.11.
Variant type: single nucleotide variant.
Coding change: c.7232A>G on transcript NM_138927.4 (MANE Select); coding-DNA position 7232, A replaced by G.
Protein change: p.Asn2411Ser; replaces asparagine 2411 with serine.
Molecular consequence: missense variant.
Genome position (GRCh38, 1-based): chr21:33,576,375, A>G. VCF-style: chr21-33576375-A-G. GRCh37 (hg19) VCF-style: chr21-34948681-A-G.
Other names: c.1316A>G, p.Asn439Ser (NM_001291412.3); short protein forms N2411S, N439S.
Identifiers: ClinVar variation 1310192 (VCV001310192.2), dbSNP rs2145890663, ClinGen allele CA410127886.

ClinVar aggregate classification (germline): Uncertain significance (1 of 4 stars; one submission).

Submission:

GeneDx
Classification: Uncertain significance. Last evaluated: 2019-11-26. Review status: criteria provided, single submitter. Criteria: GeneDx Variant Classification Process June 2021. Collection method: clinical testing. Allele origin: germline. Affected: yes.
Comment: In silico analysis, which includes protein predictors and evolutionary conservation, supports a deleterious effect; Has not been previously published as pathogenic or benign to our knowledge